The following is an entry in ClinVar:

ClinVar aggregate classification (germline): Benign/Likely benign. Review status: criteria provided, multiple submitters, no conflicts (2 of 4 stars). 2 submissions from 2 submitters: Benign (1); Likely benign (1). Last evaluated 2025-05-08.

Conditions:
Tuberous sclerosis 2 (TSC2). Identifiers: Orphanet 805, MedGen C1860707, MONDO:0013199, OMIM 613254.
Hereditary cancer-predisposing syndrome. Also called: Tumor predisposition; Neoplastic Syndromes, Hereditary; Hereditary Cancer Syndrome; Hereditary neoplastic syndrome. Identifiers: Orphanet 140162, MedGen C0027672, MeSH D009386, MONDO:0015356.

Submissions (2):

Myriad Genetics, Inc.
Classification: Benign for Tuberous sclerosis 2. Last evaluated: 2025-05-08. Review status: criteria provided, single submitter. Criteria: Myriad Autosomal Dominant, Autosomal Recessive and X-Linked Classification Criteria (2023). Collection method: clinical testing. Allele origin: unknown.
Comment: This variant is considered benign. This variant is a silent/synonymous amino acid change and it is not expected to impact splicing.

Ambry Genetics
Classification: Likely benign for Hereditary cancer-predisposing syndrome. Last evaluated: 2023-06-24. Review status: criteria provided, single submitter. Criteria: Ambry Variant Classification Scheme 2023. Collection method: clinical testing. Allele origin: germline.

NM_000548.5(TSC2):c.588A>G (p.Ala196=)

Gene: TSC2 (TSC complex subunit 2; plus strand). Cytogenetic location: 16p13.3.
Variant type: single nucleotide variant.
Coding change: c.588A>G on transcript NM_000548.5 (MANE Select); coding-DNA position 588, A replaced by G.
Protein change: p.Ala196=; no amino-acid change (alanine 196 retained).
Molecular consequence: synonymous variant. On other transcripts: 5 prime UTR variant (13), non-coding transcript variant (5), intron variant (6).
Genome position (GRCh38, 1-based): chr16:2,055,508, A>G. VCF-style: chr16-2055508-A-G. GRCh37 (hg19) VCF-style: chr16-2105509-A-G.
Other names: c.588A>G, p.Ala196= (NM_001370404.1, NM_001370405.1, NM_001406663.1 and 8 more transcripts); c.678A>G, p.Ala226= (NM_001406667.1, NM_001406668.1); c.477A>G, p.Ala159= (NM_001318827.2, NM_001406670.1, NM_001406678.1); c.441A>G, p.Ala147= (NM_001318829.2, NM_001406675.1, NM_001406676.1 and 1 more transcripts); c.621A>G, p.Ala207= (NM_001318832.2); c.531A>G, p.Ala177= (NM_001406677.1); c.-229A>G (NM_001406680.1, NM_001406683.1, NM_001406687.1); c.126A>G, p.Ala42= (NM_001406681.1); and 6 more.
Identifiers: ClinVar variation 2626412 (VCV002626412.3), dbSNP rs941407136, ClinGen allele CA492955902.